The following is an entry in ClinVar:

ClinVar aggregate classification (germline): Likely benign. Review status: criteria provided, multiple submitters, no conflicts (2 of 4 stars). 3 submissions from 3 submitters: Likely benign (2). 1 of the submissions does not count toward it. Last evaluated 2026-01-26.

Conditions:
MOGS-related disorder. Also called: MOGS-related condition.
MOGS-congenital disorder of glycosylation. Also called: CDG 2B; CDG IIb; GLUCOSIDASE I DEFICIENCY; MOGS-CDG. Identifiers: Orphanet 79330, MedGen C1853736, MONDO:0011629, OMIM 606056.

Allele frequency attached by ClinVar (database versions not stated): gnomAD exomes 0.00001 and 0.00003; ExAC 0.00005; gnomAD 0.00016 and 0.00019; TOPMed 0.00022; ESP Exome Variant Server 0.00025.

Submissions (3):

Labcorp Genetics (formerly Invitae), Labcorp
Classification: Likely benign for MOGS-congenital disorder of glycosylation. Last evaluated: 2026-01-26. Review status: criteria provided, single submitter. Criteria: Invitae Variant Classification Sherloc (09022015). Collection method: clinical testing. Allele origin: germline.

Blueprint Genetics
Classification: Likely benign. Last evaluated: 2024-10-31. Review status: criteria provided, single submitter. Criteria: ACMG Guidelines, 2015. Collection method: clinical testing. Allele origin: germline.

PreventionGenetics, part of Exact Sciences
Classification: Likely benign for MOGS-related condition. Last evaluated: 2024-06-05. Review status: no assertion criteria provided. Collection method: clinical testing. Allele origin: germline. Not counted in ClinVar's aggregate classification.
Comment: This variant is classified as likely benign based on ACMG/AMP sequence variant interpretation guidelines (Richards et al. 2015 PMID: 25741868, with internal and published modifications).

NM_006302.3(MOGS):c.1443T>C (p.Asp481=)

Gene: MOGS (mannosyl-oligosaccharide glucosidase; minus strand). Cytogenetic location: 2p13.1.
Variant type: single nucleotide variant.
Coding change: c.1443T>C on transcript NM_006302.3 (MANE Select); coding-DNA position 1443, T replaced by C.
Protein change: p.Asp481=; no amino-acid change (aspartic acid 481 retained).
Molecular consequence: synonymous variant.
Genome position (GRCh38, 1-based): chr2:74,462,346, A>G on the plus strand (T>C on the coding strand, the complement: MOGS is on the minus strand). VCF-style: chr2-74462346-A-G. GRCh37 (hg19) VCF-style: chr2-74689473-A-G.
Other names: c.1125T>C, p.Asp375= (NM_001146158.2); c.1443T>C (NM_006302.2).
Identifiers: ClinVar variation 1109544 (VCV001109544.11), dbSNP rs370915826, ClinGen allele CA1724787.